The following is an entry in ClinVar:

ClinVar aggregate classification (germline): Uncertain significance (1 of 4 stars; one submission).

Allele frequency attached by ClinVar (database versions not stated): TOPMed below 0.00001.

Submission:

Labcorp Genetics (formerly Invitae), Labcorp
Classification: Uncertain significance. Last evaluated: 2022-07-19. Review status: criteria provided, single submitter. Criteria: Invitae Variant Classification Sherloc (09022015). Collection method: clinical testing. Allele origin: germline.
Comment: In summary, the available evidence is currently insufficient to determine the role of this variant in disease. Therefore, it has been classified as a Variant of Uncertain Significance. Algorithms developed to predict the effect of sequence changes on RNA splicing suggest that this variant may create or strengthen a splice site. Algorithms developed to predict the effect of missense changes on protein structure and function are either unavailable or do not agree on the potential impact of this missense change (SIFT: "Deleterious"; PolyPhen-2: "Probably Damaging"; Align-GVGD: "Class C0"). ClinVar contains an entry for this variant (Variation ID: 1396396). This variant has not been reported in the literature in individuals affected with LRRK1-related conditions. This variant is not present in population databases (gnomAD no frequency). This sequence change replaces asparagine, which is neutral and polar, with serine, which is neutral and polar, at codon 390 of the LRRK1 protein (p.Asn390Ser).

NM_024652.6(LRRK1):c.1169A>G (p.Asn390Ser)

Gene: LRRK1 (leucine rich repeat kinase 1; plus strand). Cytogenetic location: 15q26.3.
Variant type: single nucleotide variant.
Coding change: c.1169A>G on transcript NM_024652.6 (MANE Select); coding-DNA position 1169, A replaced by G.
Protein change: p.Asn390Ser; replaces asparagine 390 with serine.
Molecular consequence: missense variant.
Genome position (GRCh38, 1-based): chr15:101,010,725, A>G. VCF-style: chr15-101010725-A-G. GRCh37 (hg19) VCF-style: chr15-101550930-A-G.
Other names: short protein forms N390S.
Identifiers: ClinVar variation 1396396 (VCV001396396.6), dbSNP rs1476817125, ClinGen allele CA393956391.